The following is an entry in ClinVar:

ClinVar aggregate classification (germline): Likely pathogenic (1 of 4 stars; one submission).

Conditions:
CFTR-related disorder (CFTR-RD). Also called: CFTR-related disorders; CFTR-related condition. Identifiers: MedGen C5924204, MONDO:7770004.

Submission:

Natera, Inc.
Classification: Likely pathogenic for CFTR-related disorders. Last evaluated: 2024-09-18. Review status: criteria provided, single submitter. Criteria: Natera Variant Classification Schema (03/2026). Collection method: clinical testing. Allele origin: germline.
Comment: The c.2760_2761delGGinsA variant in CFTR is a frameshift variant predicted to shift the reading frame beginning at codon 921 and leads to a stop codon 2 codons downstream. This variant is expected to result in nonsense mediated decay, truncation, or a dysfunctional protein product. This variant is rare in the general population with a frequency below the threshold expected for the associated phenotype(s). Given the available evidence, this variant is classified as Likely Pathogenic.

NM_000492.4(CFTR):c.2760_2761delinsA (p.Gly921fs)

Gene: CFTR (CF transmembrane conductance regulator; plus strand). Cytogenetic location: 7q31.2.
Variant type: Indel.
Coding change: c.2760_2761delinsA on transcript NM_000492.4 (MANE Select); coding-DNA positions 2760 to 2761, GG replaced by A.
Protein change: p.Gly921fs; shifts the reading frame from glycine 921.
Molecular consequence: frameshift variant.
Genome position (GRCh38, 1-based): chr7:117,603,634-117,603,635, GG replaced by A. VCF-style: chr7-117603634-GG-A. GRCh37 (hg19) VCF-style: chr7-117243688-GG-A.
Other names: short protein forms G921fs.
Identifiers: ClinVar variation 4818515 (VCV004818515.1).
Genomic context (GRCh38, chr7:117,603,634, plus strand): 5'-TAACAGCTATGCAGTGATTATCACCAGCACCAGTTCGTATTATGTGTTTTACATTTACGT[GG>A]GAGTAGCCGACACTTTGCTTGCTATGGGATTCTTCAGAGGTCTACCACTGGTGCATACTC-3'